The following is an entry in ClinVar:

NM_007294.4(BRCA1):c.3852C>T (p.His1284=)

Genes: BRCA1 (BRCA1 DNA repair associated; minus strand), LOC126862571 (BRD4-independent group 4 enhancer GRCh37_chr17:41243136-41244335; plus strand). Cytogenetic location: 17q21.31.
Variant type: single nucleotide variant.
Coding change: c.3852C>T on transcript NM_007294.4 (MANE Select); coding-DNA position 3852, C replaced by T.
Protein change: p.His1284=; no amino-acid change (histidine 1284 retained).
Molecular consequence: synonymous variant. On other transcripts: intron variant (135).
Genome position (GRCh38, 1-based): chr17:43,091,679, G>A on the plus strand (C>T on the coding strand, the complement: BRCA1 is on the minus strand). VCF-style: chr17-43091679-G-A. GRCh37 (hg19) VCF-style: chr17-41243696-G-A.
Other names: c.3639C>T, p.His1213= (NM_001407571.1, NM_001407853.1, NM_001407894.1 and 9 more transcripts); c.3852C>T, p.His1284= (NM_001407581.1, NM_001407582.1, NM_001407583.1 and 30 more transcripts); c.3849C>T, p.His1283= (NM_001407587.1, NM_001407590.1, NM_001407591.1 and 22 more transcripts); c.3843C>T, p.His1281= (NM_001407646.1, NM_001407647.1); c.3729C>T, p.His1243= (NM_001407648.1, NM_001407664.1, NM_001407665.1 and 19 more transcripts); c.3726C>T, p.His1242= (NM_001407649.1, NM_001407670.1, NM_001407671.1 and 11 more transcripts); c.3774C>T, p.His1258= (NM_001407653.1, NM_001407654.1, NM_001407655.1 and 4 more transcripts); c.3771C>T, p.His1257= (NM_001407659.1, NM_001407660.1, NM_001407661.1 and 1 more transcripts); and 41 more.
Identifiers: ClinVar variation 427312 (VCV000427312.13), dbSNP rs776070899, ClinGen allele CA059148.

ClinVar aggregate classification (germline): Likely benign. Review status: reviewed by expert panel (3 of 4 stars). 3 submissions from 3 submitters: Likely benign (1). 2 of the submissions do not count toward it. Last evaluated 2017-06-29.

Conditions:
Hereditary breast ovarian cancer syndrome. Also called: Hereditary breast and ovarian cancer syndrome (HBOC); BRCA1- and BRCA2-Associated Hereditary Breast and Ovarian Cancer; Hereditary breast and/or ovarian cancer syndrome; Hereditary breast and ovarian cancer syndrome; Hereditary breast and ovarian cancer; Breast and ovarian cancer. Identifiers: Orphanet 145, MedGen C0677776, MeSH D061325, MONDO:0003582. Disease mechanism: loss of function.
Hereditary cancer-predisposing syndrome. Also called: Neoplastic Syndromes, Hereditary; Hereditary neoplastic syndrome; Tumor predisposition; Hereditary Cancer Syndrome. Identifiers: Orphanet 140162, MedGen C0027672, MeSH D009386, MONDO:0015356.
Breast-ovarian cancer, familial, susceptibility to, 1 (BROVCA1). Also called: BRCA1 Hereditary Breast and Ovarian Cancer; OVARIAN CANCER, SUSCEPTIBILITY TO. Identifiers: Orphanet 145, MedGen C2676676, MONDO:0011450, OMIM 604370. Disease mechanism: loss of function.

Allele frequency attached by ClinVar (database versions not stated): gnomAD exomes below 0.00001; ExAC 0.00001.

Submissions (3):

Evidence-based Network for the Interpretation of Germline Mutant Alleles (ENIGMA)
Classification: Likely benign for Breast-ovarian cancer, familial, susceptibility to, 1. Last evaluated: 2017-06-29. Review status: reviewed by expert panel. Criteria: ENIGMA BRCA1/2 Classification Criteria (2017-06-29). Collection method: curation. Allele origin: germline.
Comment: Synonymous substitution variant, with low bioinformatic likelihood to result in a splicing aberration (Splicing prior probability 0.02).

Labcorp Genetics (formerly Invitae), Labcorp
Classification: Likely benign for Hereditary breast ovarian cancer syndrome. Last evaluated: 2025-01-13. Review status: criteria provided, single submitter. Criteria: Invitae Variant Classification Sherloc (09022015). Collection method: clinical testing. Allele origin: germline. Not counted in ClinVar's aggregate classification.

Ambry Genetics
Classification: Likely benign for Hereditary cancer-predisposing syndrome. Last evaluated: 2024-06-03. Review status: criteria provided, single submitter. Criteria: Ambry Variant Classification Scheme 2023. Collection method: clinical testing. Allele origin: germline. Not counted in ClinVar's aggregate classification.